The following is an entry in ClinVar:

NM_001033057.2(MAGI1):c.1123A>G (p.Ile375Val)

Gene: MAGI1 (membrane associated guanylate kinase, WW and PDZ domain containing 1; minus strand). Cytogenetic location: 3p14.1.
Variant type: single nucleotide variant.
Coding change: c.1123A>G on transcript NM_001033057.2 (MANE Select); coding-DNA position 1123, A replaced by G.
Protein change: p.Ile375Val; replaces isoleucine 375 with valine.
Molecular consequence: missense variant.
Genome position (GRCh38, 1-based): chr3:65,442,805, T>C on the plus strand (A>G on the coding strand, the complement: MAGI1 is on the minus strand). VCF-style: chr3-65442805-T-C. GRCh37 (hg19) VCF-style: chr3-65428480-T-C.
Other names: c.1126A>G, p.Ile376Val (NM_001365903.2, NM_001365904.2, NM_001365905.1); c.1123A>G, p.Ile375Val (NM_004742.3, NM_015520.2); c.1123A>G (NM_001033057.1); short protein forms I375V, I376V.
Identifiers: ClinVar variation 380114 (VCV000380114.4), dbSNP rs141859891, ClinGen allele CA2483065.
Genomic context (GRCh38, chr3:65,442,805, plus strand): 5'-TTATAGAGAGGTATAAACTAATGTGTGGATTGTGAATGGGCACTTACTCTACATAGTAGA[T>C]ACCATAGACAGGGTCTTCAATCTTTTCCCAACCAGCAGGCAGTTCTGAAAAATAAAAGAA-3'
Protein context (NP_001028229.1, residues 365-385): WEKIEDPVYG[Ile375Val]YYVDHINRKT

ClinVar aggregate classification (germline): Likely benign. Review status: criteria provided, multiple submitters, no conflicts (2 of 4 stars). 3 submissions from 3 submitters: Likely benign (3). Last evaluated 2022-02-11.

Allele frequency attached by ClinVar (database versions not stated): gnomAD 0.00014 and 0.00015; gnomAD exomes 0.00020 and 0.00023; TOPMed 0.00023; ExAC 0.00024; ESP Exome Variant Server 0.00031.
gnomAD v4.1: 370 of 1,612,788 alleles (0.023%); highest among the groups gnomAD compares: Middle Eastern, 0.99%; 1 homozygote.

Submissions (3):

Ambry Genetics
Classification: Likely benign. Last evaluated: 2022-02-11. Review status: criteria provided, single submitter. Criteria: Ambry Variant Classification Scheme 2023. Collection method: clinical testing. Allele origin: germline.

GeneDx
Classification: Likely benign. Last evaluated: 2016-10-19. Review status: criteria provided, single submitter. Criteria: GeneDx Variant Classification (06012015). Collection method: clinical testing. Allele origin: germline. Affected: yes.
Comment: This variant is considered likely benign or benign based on one or more of the following criteria: it is a conservative change, it occurs at a poorly conserved position in the protein, it is predicted to be benign by multiple in silico algorithms, and/or has population frequency not consistent with disease.

Breakthrough Genomics
Classification: Likely benign. Review status: criteria provided, single submitter. Criteria: ACMG Guidelines, 2015. Collection method: not provided. Allele origin: germline. Inheritance: Unknown mechanism. Affected: yes.